The following is an entry in ClinVar:

ClinVar aggregate classification (germline): Uncertain significance. Review status: criteria provided, multiple submitters, no conflicts (2 of 4 stars). 2 submissions from 2 submitters: Uncertain significance (2). Last evaluated 2025-01-24.

Allele frequency attached by ClinVar (database versions not stated): gnomAD 0.00004 and 0.00005; ExAC 0.00005; gnomAD exomes 0.00006; ESP Exome Variant Server 0.00023.
gnomAD v4.1: 86 of 1,613,804 alleles (0.0053%); highest among the groups gnomAD compares: Middle Eastern, 0.016%; no homozygotes.

Submissions (2):

GeneDx
Classification: Uncertain significance. Last evaluated: 2025-01-24. Review status: criteria provided, single submitter. Criteria: GeneDx Variant Classification Process June 2021. Collection method: clinical testing. Allele origin: germline. Affected: yes.
Comment: Has not been previously published as pathogenic or benign to our knowledge; Nonsense variant predicted to result in protein truncation or nonsense mediated decay in a gene for which loss of function is a known mechanism of disease

AiLife Diagnostics
Classification: Uncertain significance. Last evaluated: 2021-08-16. Review status: criteria provided, single submitter. Criteria: ACMG Guidelines, 2015. Collection method: clinical testing. Allele origin: germline. Affected: yes. Observed: 1 variant allele.

NM_020774.4(MIB1):c.1039C>T (p.Arg347Ter)

Gene: MIB1 (MIB E3 ubiquitin protein ligase 1; plus strand). Cytogenetic location: 18q11.2.
Variant type: single nucleotide variant.
Coding change: c.1039C>T on transcript NM_020774.4 (MANE Select); coding-DNA position 1039, C replaced by T.
Protein change: p.Arg347Ter; replaces arginine 347 with a stop codon.
Molecular consequence: nonsense.
Genome position (GRCh38, 1-based): chr18:21,791,504, C>T. VCF-style: chr18-21791504-C-T. GRCh37 (hg19) VCF-style: chr18-19371465-C-T.
Other names: short protein forms R347*.
Identifiers: ClinVar variation 1313370 (VCV001313370.4), dbSNP rs376597435, ClinGen allele CA8908184.